The following is an entry in ClinVar:

NM_001384474.1(LOXHD1):c.4757G>T (p.Arg1586Leu)

Gene: LOXHD1 (lipoxygenase homology PLAT domains 1; minus strand). Cytogenetic location: 18q21.1.
Variant type: single nucleotide variant.
Coding change: c.4757G>T on transcript NM_001384474.1 (MANE Select); coding-DNA position 4757, G replaced by T.
Protein change: p.Arg1586Leu; replaces arginine 1586 with leucine.
Molecular consequence: missense variant.
Genome position (GRCh38, 1-based): chr18:46,524,585, C>A on the plus strand (G>T on the coding strand, the complement: LOXHD1 is on the minus strand). VCF-style: chr18-46524585-C-A. GRCh37 (hg19) VCF-style: chr18-44104548-C-A.
Other names: c.1424G>T, p.Arg475Leu (NM_001145472.3); c.1136G>T, p.Arg379Leu (NM_001308013.2); c.4757G>T, p.Arg1586Leu (NM_144612.7); short protein forms R1586L, R379L, R475L.
Identifiers: ClinVar variation 228829 (VCV000228829.7), dbSNP rs369890906, ClinGen allele CA8952294.

ClinVar aggregate classification (germline): Uncertain significance. Review status: criteria provided, multiple submitters, no conflicts (2 of 4 stars). 3 submissions from 3 submitters: Uncertain significance (2). 1 of the submissions does not count toward it. Last evaluated 2021-11-30.

Conditions:
Inborn genetic diseases. Identifiers: MedGen C0950123, MeSH D030342.
Autosomal recessive nonsyndromic hearing loss 77. Identifiers: Orphanet 90636, MedGen C2746083, MONDO:0013119, OMIM 613079.

Allele frequency attached by ClinVar (database versions not stated): TOPMed 0.00002; ExAC 0.00009; ESP Exome Variant Server 0.00022.
gnomAD v4.1: 19 of 1,551,596 alleles (0.0012%); highest among the groups gnomAD compares: Non-Finnish European, 0.0015%; no homozygotes.

Submissions (3):

Ambry Genetics
Classification: Uncertain significance for Inborn genetic diseases. Last evaluated: 2021-11-30. Review status: criteria provided, single submitter. Criteria: Ambry Variant Classification Scheme 2023. Collection method: clinical testing. Allele origin: germline.

Laboratory for Molecular Medicine, Mass General Brigham Personalized Medicine
Classification: Uncertain significance. Last evaluated: 2015-02-02. Review status: criteria provided, single submitter. Criteria: LMM Criteria. Collection method: clinical testing. Allele origin: germline. Observed: 1 variant allele.
Comment: The p.Arg1586Leu variant in LOXHD1 has not been previously reported in individua ls with hearing loss. This variant has been identified in 1/2864 of African chro mosomes and in 1/9204 of European chromosomes by the Exome Aggregation Consortiu m (ExAC; dbSNP rs369890906); though this frequen cy is not high enough to rule out pathogenicity. Computational prediction tools and conservation analyses do not provide strong support for or against an impact to the protein. In summary, the clinical significance of the p.Arg1586Leu varia nt is uncertain.

Natera, Inc.
Classification: Uncertain significance for Autosomal recessive deafness type 77. Last evaluated: 2019-10-28. Review status: no assertion criteria provided. Collection method: clinical testing. Allele origin: germline. Not counted in ClinVar's aggregate classification.